The following is an entry in ClinVar:

NM_000289.6(PFKM):c.1412+2T>C

Gene: PFKM (phosphofructokinase, muscle; plus strand). Cytogenetic location: 12q13.11.
Variant type: single nucleotide variant.
Coding change: c.1412+2T>C on transcript NM_000289.6 (MANE Select); the canonical splice donor site of the intron after coding-DNA position 1412, T replaced by C.
Molecular consequence: splice donor variant.
Genome position (GRCh38, 1-based): chr12:48,141,383, T>C. VCF-style: chr12-48141383-T-C. GRCh37 (hg19) VCF-style: chr12-48535166-T-C.
Other names: c.1436+2T>C (NM_001354741.2); c.1412+2T>C (NM_001354742.2, NM_001354743.2, NM_001354744.2 and 2 more transcripts); c.1262+2T>C (NM_001354747.2, NM_001354748.2); c.1625+2T>C (NM_001166686.2, NM_001354737.1, NM_001354739.1 and 1 more transcripts); c.1721+2T>C (NM_001354736.1, NM_001354735.1); c.1556+2T>C (NM_001354740.1); c.1325+2T>C (NM_001354745.2); c.1286+2T>C (NM_001354746.2); and 1 more.
Identifiers: ClinVar variation 2995650 (VCV002995650.4), dbSNP rs113097435, ClinGen allele CA6537337.
Genomic context (GRCh38, chr12:48,141,383, plus strand): 5'-GGCTGGAGCTATGTTGGGGGCTGGACTGGCCAAGGTGGCTCTAAACTTGGGACTAAAAGG[T>C]AAGTAGCACTGCAGAGGCACCTCCTCCCAGTCACCTCTTAAAGTTGCCCTTGGATGTGGG-3'

ClinVar aggregate classification (germline): Likely pathogenic. Review status: criteria provided, multiple submitters, no conflicts (2 of 4 stars). 2 submissions from 2 submitters: Likely pathogenic (2). Last evaluated 2025-07-14.

Conditions:
Glycogen storage disease, type VII (GSD7). Also called: PFKM DEFICIENCY; GSD VII; MUSCLE PHOSPHOFRUCTOKINASE DEFICIENCY; TARUI DISEASE. Identifiers: Orphanet 371, MedGen C0017926, MONDO:0009295, OMIM 232800.

Allele frequency attached by ClinVar (database versions not stated): ExAC 0.00001.
gnomAD v4.1: 1 of 1,613,184 alleles (0.000062%); highest among the groups gnomAD compares: South Asian, 0.0011%; no homozygotes.

Submissions (2):

Myriad Genetics, Inc.
Classification: Likely pathogenic for Glycogen storage disease, type VII. Last evaluated: 2025-07-14. Review status: criteria provided, single submitter. Criteria: Myriad Autosomal Dominant, Autosomal Recessive and X-Linked Classification Criteria (2023). Collection method: clinical testing. Allele origin: unknown.
Comment: NM_001166686.1(PFKM):c.1625+2T>C is a variant in a canonical splice site classified as likely pathogenic in the context of glycogen storage disease, PFKM-related. c.1625+2T>C has not been observed in cases with relevant disease. Relevant functional assessments of this variant are not available in the literature. c.1625+2T>C has been observed in referenced population frequency databases. In summary, NM_001166686.1(PFKM):c.1625+2T>C is a variant in a canonical splice site in a gene where loss of function is a known mechanism of disease and is predicted to disrupt protein function. Please note: this variant was assessed in the context of healthy population screening.

Labcorp Genetics (formerly Invitae), Labcorp
Classification: Likely pathogenic for Glycogen storage disease, type VII. Last evaluated: 2023-10-05. Review status: criteria provided, single submitter. Criteria: Invitae Variant Classification Sherloc (09022015). Collection method: clinical testing. Allele origin: germline.
Comment: This sequence change affects a donor splice site in intron 15 of the PFKM gene. It is expected to disrupt RNA splicing. Variants that disrupt the donor or acceptor splice site typically lead to a loss of protein function (PMID: 16199547), and loss-of-function variants in PFKM are known to be pathogenic (PMID: 7825568, 8037209). This variant is present in population databases (rs113097435, gnomAD 0.003%). This variant has not been reported in the literature in individuals affected with PFKM-related conditions. Algorithms developed to predict the effect of sequence changes on RNA splicing suggest that this variant may disrupt the consensus splice site. In summary, the currently available evidence indicates that the variant is pathogenic, but additional data are needed to prove that conclusively. Therefore, this variant has been classified as Likely Pathogenic.

Literature cited by the submitters: PubMed 16199547 (cited by Labcorp Genetics (formerly Invitae), Labcorp); PubMed 7825568 (cited by Labcorp Genetics (formerly Invitae), Labcorp); PubMed 8037209 (cited by Labcorp Genetics (formerly Invitae), Labcorp).